The following is an entry in ClinVar:

ClinVar aggregate classification (germline): Uncertain significance. Review status: criteria provided, multiple submitters, no conflicts (2 of 4 stars). 2 submissions from 2 submitters: Uncertain significance (2). Last evaluated 2025-12-17.

Conditions:
Hypertrophic cardiomyopathy. Also called: HYPERTROPHIC MYOCARDIOPATHY. Identifiers: Orphanet 217569, MedGen C0007194, MeSH D002312, MONDO:0005045, HP:0001639.

Allele frequency attached by ClinVar (database versions not stated): TOPMed 0.00002; ESP Exome Variant Server 0.00008; gnomAD exomes 0.00001.
gnomAD v4.1: 7 of 1,610,848 alleles (0.00043%); highest among the groups gnomAD compares: Non-Finnish European, 0.00059%; no homozygotes.

Submissions (2):

Labcorp Genetics (formerly Invitae), Labcorp
Classification: Uncertain significance for Hypertrophic cardiomyopathy. Last evaluated: 2025-12-17. Review status: criteria provided, single submitter. Criteria: Invitae Variant Classification Sherloc (09022015). Collection method: clinical testing. Allele origin: germline.
Comment: This sequence change replaces serine, which is neutral and polar, with cysteine, which is neutral and slightly polar, at codon 80 of the MYOM1 protein (p.Ser80Cys). This variant is not present in population databases (gnomAD no frequency). This variant has not been reported in the literature in individuals affected with MYOM1-related conditions. ClinVar contains an entry for this variant (Variation ID: 1790675). An algorithm developed to predict the effect of missense changes on protein structure and function (PolyPhen-2) suggests that this variant is likely to be tolerated. In summary, the available evidence is currently insufficient to determine the role of this variant in disease. Therefore, it has been classified as a Variant of Uncertain Significance.

Ambry Genetics
Classification: Uncertain significance. Last evaluated: 2023-11-30. Review status: criteria provided, single submitter. Criteria: Ambry Variant Classification Scheme 2023. Collection method: clinical testing. Allele origin: germline.
Comment: The p.S80C variant (also known as c.239C>G), located in coding exon 1 of the MYOM1 gene, results from a C to G substitution at nucleotide position 239. The serine at codon 80 is replaced by cysteine, an amino acid with dissimilar properties. This amino acid position is conserved. In addition, this alteration is predicted to be tolerated by in silico analysis. Since supporting evidence is limited at this time, the clinical significance of this alteration remains unclear.

NM_003803.4(MYOM1):c.239C>G (p.Ser80Cys)

Gene: MYOM1 (myomesin 1; minus strand). Cytogenetic location: 18p11.31.
Variant type: single nucleotide variant.
Coding change: c.239C>G on transcript NM_003803.4 (MANE Select); coding-DNA position 239, C replaced by G.
Protein change: p.Ser80Cys; replaces serine 80 with cysteine.
Molecular consequence: missense variant.
Genome position (GRCh38, 1-based): chr18:3,214,985, G>C on the plus strand (C>G on the coding strand, the complement: MYOM1 is on the minus strand). VCF-style: chr18-3214985-G-C. GRCh37 (hg19) VCF-style: chr18-3214983-G-C.
Other names: c.239C>G, p.Ser80Cys (NM_019856.2); short protein forms S80C.
Identifiers: ClinVar variation 1790675 (VCV001790675.5), dbSNP rs375640511, ClinGen allele CA295537359.